The following is an entry in ClinVar:

ClinVar aggregate classification (germline): Likely benign. Review status: criteria provided, multiple submitters, no conflicts (2 of 4 stars). 5 submissions from 5 submitters: Likely benign (5). Last evaluated 2025-08-08.

Conditions:
Inborn genetic diseases. Identifiers: MedGen C0950123, MeSH D030342.
Familial sleep-related hypermotor epilepsy. Also called: Autosomal Dominant Sleep-Related Hypermotor (Hyperkinetic) Epilepsy. Identifiers: Orphanet 98784, MedGen C3696898, MONDO:0000030.

Allele frequency attached by ClinVar (database versions not stated): gnomAD 0.00001; TOPMed 0.00001; ExAC 0.00002; gnomAD exomes 0.00002.
gnomAD v4.1: 25 of 1,614,018 alleles (0.0015%); highest among the groups gnomAD compares: Non-Finnish European, 0.002%; no homozygotes.

Submissions (5):

Labcorp Genetics (formerly Invitae), Labcorp
Classification: Likely benign. Last evaluated: 2025-08-08. Review status: criteria provided, single submitter. Criteria: Invitae Variant Classification Sherloc (09022015). Collection method: clinical testing. Allele origin: germline.

CeGaT Center for Human Genetics Tuebingen
Classification: Likely benign. Last evaluated: 2024-04-01. Review status: criteria provided, single submitter. Criteria: CeGaT Center For Human Genetics Tuebingen Variant Classification Criteria Version 2. Collection method: clinical testing. Allele origin: germline. Affected: yes. Observed: 1 variant allele.
Comment: CHRNA2: BP4

Ambry Genetics
Classification: Likely benign for Inborn genetic diseases. Last evaluated: 2019-01-08. Review status: criteria provided, single submitter. Criteria: Ambry Variant Classification Scheme 2023. Collection method: clinical testing. Allele origin: germline.

GeneDx
Classification: Likely benign. Last evaluated: 2015-11-04. Review status: criteria provided, single submitter. Criteria: GeneDx Variant Classification (06012015). Collection method: clinical testing. Allele origin: germline. Affected: yes.
Comment: This variant is considered likely benign or benign based on one or more of the following criteria: it is a conservative change, it occurs at a poorly conserved position in the protein, it is predicted to be benign by multiple in silico algorithms, and/or has population frequency not consistent with disease.

Breakthrough Genomics
Classification: Likely benign. Review status: criteria provided, single submitter. Criteria: ACMG Guidelines, 2015. Collection method: not provided. Allele origin: germline. Inheritance: Autosomal dominant inheritance. Affected: yes.

NM_000742.4(CHRNA2):c.1059C>T (p.His353=)

Gene: CHRNA2 (cholinergic receptor nicotinic alpha 2 subunit; minus strand). Cytogenetic location: 8p21.2.
Variant type: single nucleotide variant.
Coding change: c.1059C>T on transcript NM_000742.4 (MANE Select); coding-DNA position 1059, C replaced by T.
Protein change: p.His353=; no amino-acid change (histidine 353 retained).
Molecular consequence: synonymous variant.
Genome position (GRCh38, 1-based): chr8:27,463,384, G>A on the plus strand (C>T on the coding strand, the complement: CHRNA2 is on the minus strand). VCF-style: chr8-27463384-G-A. GRCh37 (hg19) VCF-style: chr8-27320901-G-A.
Other names: c.1014C>T, p.His338= (NM_001282455.2); c.582C>T, p.His194= (NM_001347705.2, NM_001347706.2); c.465C>T, p.His155= (NM_001347707.2, NM_001347708.2).
Identifiers: ClinVar variation 377666 (VCV000377666.31), dbSNP rs748482434, ClinGen allele CA4689541.
Genomic context (GRCh38, chr8:27,463,384, plus strand): 5'-ACAGCCCAGAAGGGCCCCCCGCACCCAGTGGGGCATGGTGTGGGTGCTGGGGGAGCGGTG[G>A]TGCACATTGAGCACGAAGACGGTGATGACGATGGACAGGGTGACGAAGATCATGGTGAAC-3'
Protein context (NP_000733.2, residues 343-363): IVITVFVLNV[His353=]HRSPSTHTMP